The following is an entry in ClinVar:

NM_001613.4(ACTA2):c.165C>T (p.Tyr55=)

Gene: ACTA2 (actin alpha 2, smooth muscle; minus strand). Cytogenetic location: 10q23.31.
Variant type: single nucleotide variant.
Coding change: c.165C>T on transcript NM_001613.4 (MANE Select); coding-DNA position 165, C replaced by T.
Protein change: p.Tyr55=; no amino-acid change (tyrosine 55 retained).
Molecular consequence: synonymous variant. On other transcripts: intron variant (3).
Genome position (GRCh38, 1-based): chr10:88,947,351, G>A on the plus strand (C>T on the coding strand, the complement: ACTA2 is on the minus strand). VCF-style: chr10-88947351-G-A. GRCh37 (hg19) VCF-style: chr10-90707108-G-A.
Other names: c.165C>T, p.Tyr55= (NM_001141945.3, NM_001320855.2, NM_001406462.1 and 4 more transcripts); c.129+1451C>T (NM_001406467.1, NM_001406468.1, NM_001406469.1).
Identifiers: ClinVar variation 632625 (VCV000632625.42), dbSNP rs747205071, ClinGen allele CA027016.

ClinVar aggregate classification (germline): Benign/Likely benign. Review status: criteria provided, multiple submitters, no conflicts (2 of 4 stars). 7 submissions from 7 submitters: Benign (1); Likely benign (6). Last evaluated 2025-10-28.

Conditions:
Familial thoracic aortic aneurysm and aortic dissection (TAAD). Also called: Thoracic aortic aneurysms and dissections. Identifiers: Orphanet 91387, MedGen C4707243, MONDO:0019625.
Aortic aneurysm, familial thoracic 6 (AAT6). Also called: FAMILIAL THORACIC AORTIC ANEURYSM WITH LIVEDO RETICULARIS AND IRIS FLOCCULI. Identifiers: MedGen C2673186, MONDO:0012730, OMIM 611788.

Allele frequency attached by ClinVar (database versions not stated): gnomAD exomes 0.00001 and 0.00004; ExAC 0.00002; TOPMed 0.00002; gnomAD 0.00003.
gnomAD v4.1: 20 of 1,613,810 alleles (0.0012%); highest among the groups gnomAD compares: Admixed American, 0.015%; no homozygotes.

Submissions (7):

Labcorp Genetics (formerly Invitae), Labcorp
Classification: Likely benign for Aortic aneurysm, familial thoracic 6. Last evaluated: 2025-10-28. Review status: criteria provided, single submitter. Criteria: Invitae Variant Classification Sherloc (09022015). Collection method: clinical testing. Allele origin: germline.

Blueprint Genetics
Classification: Likely benign. Last evaluated: 2024-09-06. Review status: criteria provided, single submitter. Criteria: ACMG Guidelines, 2015. Collection method: clinical testing. Allele origin: germline.

All of Us Research Program, National Institutes of Health
Classification: Likely benign for Familial thoracic aortic aneurysm and aortic dissection. Last evaluated: 2024-02-05. Review status: criteria provided, single submitter. Criteria: ACMG Guidelines, 2015. Collection method: clinical testing. Allele origin: germline. Inheritance: Autosomal dominant inheritance. Observed: 1 variant allele, 1 heterozygote.
Comment: This study involves interpretation of variants in research participants for the purpose of population health screening. Participant phenotype was not available at the time of variant classification. Additional details can be found in publication PMID: 35346344, PMCID: PMC8962531

CeGaT Center for Human Genetics Tuebingen
Classification: Likely benign. Last evaluated: 2022-07-01. Review status: criteria provided, single submitter. Criteria: CeGaT Center For Human Genetics Tuebingen Variant Classification Criteria Version 2. Collection method: clinical testing. Allele origin: germline. Affected: yes. Observed: 1 variant allele.
Comment: ACTA2: BP4, BP7

Ambry Genetics
Classification: Likely benign for Familial thoracic aortic aneurysm and aortic dissection. Last evaluated: 2022-01-17. Review status: criteria provided, single submitter. Criteria: Ambry Variant Classification Scheme 2023. Collection method: clinical testing. Allele origin: germline.

Color Diagnostics, LLC DBA Color Health
Classification: Likely benign for Familial thoracic aortic aneurysm and aortic dissection. Last evaluated: 2019-02-21. Review status: criteria provided, single submitter. Criteria: ACMG Guidelines, 2015. Collection method: clinical testing. Allele origin: germline.

Women's Health and Genetics/Laboratory Corporation of America, LabCorp
Classification: Benign. Last evaluated: 2018-04-16. Review status: criteria provided, single submitter. Criteria: LabCorp Variant Classification Summary - May 2015. Collection method: clinical testing. Allele origin: germline.
Comment: Variant summary: ACTA2 c.165C>T alters a non-conserved nucleotide resulting in a synonymous change. 5/5 computational tools predict no significant impact on normal splicing. However, these predictions have yet to be confirmed by functional studies. The observed variant frequency within Latino control individuals in the gnomAD database is approximately 14 fold of the estimated maximal expected allele frequency for a pathogenic variant in ACTA2 causing Aortopathy phenotype (1.8e-05), strongly suggesting that the variant is a benign polymorphism. To our knowledge, no occurrence of c.165C>T in individuals affected with Aortopathy and no experimental evidence demonstrating its impact on protein function have been reported. No clinical diagnostic laboratories have submitted clinical-significance assessments for this variant to ClinVar after 2014. Based on the evidence outlined above, the variant was classified as benign.